The following is an entry in ClinVar:

NM_133642.5(LARGE1):c.2256C>T (p.Ala752=)

Gene: LARGE1 (LARGE xylosyl- and glucuronyltransferase 1; minus strand). Cytogenetic location: 22q12.3.
Variant type: single nucleotide variant.
Coding change: c.2256C>T on transcript NM_133642.5 (MANE Select); coding-DNA position 2256, C replaced by T.
Protein change: p.Ala752=; no amino-acid change (alanine 752 retained).
Molecular consequence: synonymous variant.
Genome position (GRCh38, 1-based): chr22:33,274,442, G>A on the plus strand (C>T on the coding strand, the complement: LARGE1 is on the minus strand). VCF-style: chr22-33274442-G-A. GRCh37 (hg19) VCF-style: chr22-33670428-G-A.
Other names: p.Ala752=; c.2256C>T (NM_004737.6); c.2256C>T, p.Ala752= (NM_001362949.2, NM_001362951.2, NM_001362953.2 and 4 more transcripts); c.2109C>T, p.Ala703= (NM_001378627.1, NM_001378628.1); c.2100C>T, p.Ala700= (NM_001378629.1); c.1653C>T, p.Ala551= (NM_001378630.1); c.1350C>T, p.Ala450= (NM_001378631.1).
Identifiers: ClinVar variation 703381 (VCV000703381.17), dbSNP rs114246562, ClinGen allele CA10202540.

ClinVar aggregate classification (germline): Likely benign. Review status: criteria provided, multiple submitters, no conflicts (2 of 4 stars). 3 submissions from 3 submitters: Likely benign (3). Last evaluated 2025-07-11.

Conditions:
Muscular dystrophy-dystroglycanopathy type B6 (MDDGB6). Also called: MUSCULAR DYSTROPHY, CONGENITAL, LARGE-RELATED; MUSCULAR DYSTROPHY, CONGENITAL, TYPE 1D; MUSCULAR DYSTROPHY-DYSTROGLYCANOPATHY (CONGENITAL WITH IMPAIRED INTELLECTUAL DEVELOPMENT), TYPE B, 6. Identifiers: MedGen C1837229, MONDO:0012138, OMIM 608840.

Allele frequency attached by ClinVar (database versions not stated): gnomAD 0.00011 and 0.00015; gnomAD exomes 0.00011; ExAC 0.00013; TOPMed 0.00016; 1000 Genomes Project 30x 0.00031; 1000 Genomes Project 0.00040.
gnomAD v4.1: 103 of 1,614,162 alleles (0.0064%); highest among the groups gnomAD compares: South Asian, 0.058%; no homozygotes.

Submissions (3):

Mayo Clinic Laboratories, Mayo Clinic
Classification: Likely benign. Last evaluated: 2025-07-11. Review status: criteria provided, single submitter. Criteria: ACMG Guidelines, 2015. Collection method: clinical testing. Allele origin: germline. Observed: 1 variant allele.
Comment: BP4, BP7

Labcorp Genetics (formerly Invitae), Labcorp
Classification: Likely benign for Muscular dystrophy-dystroglycanopathy type B6. Last evaluated: 2025-02-11. Review status: criteria provided, single submitter. Criteria: Invitae Variant Classification Sherloc (09022015). Collection method: clinical testing. Allele origin: germline.

GeneDx
Classification: Likely benign. Last evaluated: 2020-02-28. Review status: criteria provided, single submitter. Criteria: GeneDx Variant Classification Process June 2021. Collection method: clinical testing. Allele origin: germline. Affected: yes.